The following is an entry in ClinVar:

ClinVar aggregate classification (germline): Uncertain significance (1 of 4 stars; one submission).

gnomAD v4.1: 23 of 1,601,880 alleles (0.0014%); highest among the groups gnomAD compares: African/African-American, 0.015%; no homozygotes.

Submission:

Labcorp Genetics (formerly Invitae), Labcorp
Classification: Uncertain significance. Last evaluated: 2024-08-13. Review status: criteria provided, single submitter. Criteria: Invitae Variant Classification Sherloc (09022015). Collection method: clinical testing. Allele origin: germline.
Comment: This sequence change affects codon 225 of the USP53 mRNA. It is a 'silent' change, meaning that it does not change the encoded amino acid sequence of the USP53 protein. It affects a nucleotide within the consensus splice site. This variant is present in population databases (rs111704235, gnomAD 0.007%). This variant has not been reported in the literature in individuals affected with USP53-related conditions. Algorithms developed to predict the effect of sequence changes on RNA splicing suggest that this variant is not likely to affect RNA splicing. In summary, the available evidence is currently insufficient to determine the role of this variant in disease. Therefore, it has been classified as a Variant of Uncertain Significance.

NM_001371395.1(USP53):c.675T>C (p.Pro225=)

Gene: USP53 (ubiquitin specific peptidase 53; plus strand). Cytogenetic location: 4q26.
Variant type: single nucleotide variant.
Coding change: c.675T>C on transcript NM_001371395.1 (MANE Select); coding-DNA position 675, T replaced by C.
Protein change: p.Pro225=; no amino-acid change (proline 225 retained).
Molecular consequence: synonymous variant.
Genome position (GRCh38, 1-based): chr4:119,259,925, T>C. VCF-style: chr4-119259925-T-C. GRCh37 (hg19) VCF-style: chr4-120181080-T-C.
Other names: c.675T>C, p.Pro225= (NM_001371396.1, NM_001371397.1, NM_001371398.1 and 6 more transcripts); c.327T>C, p.Pro109= (NM_001389662.1, NM_001389663.1, NM_001389664.1 and 3 more transcripts).
Identifiers: ClinVar variation 3627556 (VCV003627556.2).